The following is an entry in ClinVar:

ClinVar aggregate classification (germline): Conflicting classifications of pathogenicity. Review status: criteria provided, conflicting classifications (1 of 4 stars). 8 submissions from 8 submitters: Pathogenic (2); Likely pathogenic (4); Uncertain significance (2). Last evaluated 2026-03-31.

Conditions:
Complex cortical dysplasia with other brain malformations 5. Identifiers: MedGen C3810407, MONDO:0014337, OMIM 615763.

Submissions (8):

Kasturba Medical College, Manipal, Kasturba Medical College, Manipal, Manipal Academy of Higher Education, Manipal, India
Classification: Likely pathogenic for Complex cortical dysplasia with other brain malformations 5. Last evaluated: 2026-03-31. Review status: criteria provided, single submitter. Criteria: ACMG Guidelines, 2015. Collection method: research. Allele origin: de novo. Inheritance: Autosomal dominant inheritance. Affected: yes. Observed: 1 variant allele, 1 heterozygote.
Comment: The variant c.1172G>A is absent in the gnomAD (v4.1.0) population database, and in our in-house data of 4060 exomes. In-silico analysis tools (REVEL and CADD_phred) predict the variant to be damaging to the TUBB2A protein function. This variant has been reported in ClinVar as pathogenic/likely pathogenic/uncertain significance by seven submitters in association with complex cortical dysplasia with other brain malformations 5 (VCV000382096.12). The clinical findings observed in the proband are in concordance with cortical dysplasia, complex, with other brain malformations 5. Thus, the above-mentioned de novo variant has been interpreted to be the likely cause for the condition observed in the proband.

3billion
Classification: Pathogenic for Complex cortical dysplasia with other brain malformations 5. Last evaluated: 2025-10-23. Review status: criteria provided, single submitter. Criteria: ACMG Guidelines, 2015. Collection method: clinical testing. Allele origin: germline. Affected: yes.
Comment: The variant is not observed in the gnomAD v4.1.0 dataset. Predicted Consequence/Location: Missense variant. Missense changes are a common disease-causing mechanism. In silico tool predictions suggest damaging effect of the variant on gene or gene product [REVEL: 0.86 (>=0.6, sensitivity 0.68 and specificity 0.92); 3Cnet: 0.96 (> 0.75, sensitivity 0.96 and precision 0.92)]. The same nucleotide change resulting in the same amino acid change has been previously reported as pathogenic/likely pathogenic with strong evidence (ClinVar ID: VCV000382096 /PMID: 36980980 /3billion dataset). The variant has been previously reported as de novo in a similarly affected individual (PMID: 36980980). A different missense change at the same codon (p.Arg391Cys) has been reported as pathogenic/likely pathogenic with strong evidence (ClinVar ID: VCV000521900). Therefore, this variant is classified as Pathogenic (PS1_S, PS2_S, PM2_M, PM5_M, PP2_P, PP3_P) according to the recommendation of ACMG/AMP guideline.

GeneDx
Classification: Pathogenic. Last evaluated: 2024-10-28. Review status: criteria provided, single submitter. Criteria: GeneDx Variant Classification Process June 2021. Collection method: clinical testing. Allele origin: germline. Affected: yes.
Comment: Not observed at significant frequency in large population cohorts (gnomAD); In silico analysis supports that this missense variant has a deleterious effect on protein structure/function; Has not been previously published as pathogenic or benign to our knowledge; This variant is associated with the following publications: (PMID: 33547136)

NYU Undiagnosed Diseases Program, NYU School of Medicine
Classification: Likely pathogenic for Complex cortical dysplasia with other brain malformations 5. Last evaluated: 2022-06-21. Review status: criteria provided, single submitter. Criteria: ACMG Guidelines, 2015. Collection method: research. Allele origin: de novo. Inheritance: Autosomal dominant inheritance. Affected: yes.
Comment: This variant is absent in the Genome Aggregation Database (gnomADv2 & v3), indicating it is not a common benign variant in the populations represented in this database. This exact variant was reported as a de novo heterozygous change in one individual with intellectual disability in the 100,000 Genomes Project (PMID: 33547136). This variant is in the ClinVar database as having conflicting interpretations of pathogenicity, with three laboratories classifying it as likely pathogenic and one as a variant of uncertain clinical significance (Variation ID: 369087, last accessed on 4/25/2022). se variation is a known mechanism of disease in the TUBB2A gene (PMIDs: 33776625, 32571897). Additionally, this gene has a low rate of benign missense variation on gnomADv2 (Z=5.26). Multiple in silico programs show largely consistent predictions for altering the protein structure and/or function, supporting the pathogenicity of this variant (Pathogenic, REVEL score: 0.85, Damaging, PROVEAN score: -2.52). This same amino acid change (p.Arg391His) along with p.Arg391Cys have been previously documented as pathogenic variants in a different tubulin-family gene, TUBB4B, associated with a different disease (Leber congenital amaurosis) (Pubmed ID: 29198720). p.Arg391 is located in the H11 helix of -tubulin which forms a binding pocket that interacts with -tubulin. The substitutions at p.Arg391 in TUBB4B are predicted to cause conformational changes to this binding pocket, and functional studies showed these substitutions caused abnormal microtubule growth. TUBB4B is highly homologous to TUBB2A, and therefore, this data is supportive of pathogenicity of p.Arg391His in TUBB2A.

Genetics Laboratory, UDIAT-Centre Diagnòstic, Hospital Universitari Parc Tauli
Classification: Likely pathogenic. Last evaluated: 2021-04-26. Review status: criteria provided, single submitter. Criteria: Parc Tauli Hospital Assertion Criteria 2021. Collection method: clinical testing. Allele origin: de novo. Inheritance: Autosomal dominant inheritance. Affected: yes. Observed: 1 heterozygote.
Comment: PM2_supporting;PM6_moderate;PP2_supporting;PP3_supporting

Laboratorio de Genetica e Diagnostico Molecular, Hospital Israelita Albert Einstein
Classification: Uncertain significance. Last evaluated: 2020-02-03. Review status: criteria provided, single submitter. Criteria: ACMG Guidelines, 2015. Collection method: clinical testing. Allele origin: germline. Affected: yes.
Comment: ACMG classification criteria: PS4, PM2, PP2, PP3

Laboratory of Molecular Genetics (Pr. Bezieau's lab), CHU de Nantes
Classification: Likely pathogenic. Last evaluated: 2019-12-12. Review status: criteria provided, single submitter. Criteria: ACMG Guidelines, 2015. Collection method: clinical testing. Allele origin: germline. Affected: yes.

Centre for Mendelian Genomics, University Medical Centre Ljubljana
Classification: Uncertain significance for Complex cortical dysplasia with other brain malformations 5. Last evaluated: 2019-03-08. Review status: criteria provided, single submitter. Criteria: ACMG Guidelines, 2015. Collection method: clinical testing. Allele origin: unknown. Affected: yes.
Comment: This variant was classified as: Uncertain significance. The available evidence favors the pathogenic nature of this variant, however the currently available data is insufficient to conclusively support its pathogenic nature. Thus this variant is classified as Uncertain significance - favor pathogenic. The following ACMG criteria were applied in classifying this variant: PM2,PP2,PP3,PP5.

Literature cited by the submitters: PubMed 36980980 (cited by 3billion); PubMed 29198720 (cited by NYU Undiagnosed Diseases Program, NYU School of Medicine).

NM_001069.3(TUBB2A):c.1172G>A (p.Arg391His)

Gene: TUBB2A (tubulin beta 2A class IIa; minus strand). Cytogenetic location: 6p25.2.
Variant type: single nucleotide variant.
Coding change: c.1172G>A on transcript NM_001069.3 (MANE Select); coding-DNA position 1172, G replaced by A.
Protein change: p.Arg391His; replaces arginine 391 with histidine.
Molecular consequence: missense variant.
Genome position (GRCh38, 1-based): chr6:3,154,029, C>T on the plus strand (G>A on the coding strand, the complement: TUBB2A is on the minus strand). VCF-style: chr6-3154029-C-T. GRCh37 (hg19) VCF-style: chr6-3154263-C-T.
Other names: c.917G>A, p.Arg306His (NM_001310315.2); short protein forms R391H, R306H.
Identifiers: ClinVar variation 382096 (VCV000382096.13), dbSNP rs1057521250, ClinGen allele CA16605091.